The following is an entry in ClinVar:

NM_002206.3(ITGA7):c.2269G>A (p.Gly757Ser)

Genes: ITGA7 (integrin subunit alpha 7; minus strand), LOC126861535 (CDK7 strongly-dependent group 2 enhancer GRCh37_chr12:56087579-56088778; plus strand). Cytogenetic location: 12q13.2.
Variant type: single nucleotide variant.
Coding change: c.2269G>A on transcript NM_002206.3 (MANE Select); coding-DNA position 2269, G replaced by A.
Protein change: p.Gly757Ser; replaces glycine 757 with serine.
Molecular consequence: missense variant.
Genome position (GRCh38, 1-based): chr12:55,694,623, C>T on the plus strand (G>A on the coding strand, the complement: ITGA7 is on the minus strand). VCF-style: chr12-55694623-C-T. GRCh37 (hg19) VCF-style: chr12-56088407-C-T.
Other names: c.2281G>A, p.Gly761Ser (NM_001144996.2); c.1990G>A, p.Gly664Ser (NM_001144997.2); c.1942G>A, p.Gly648Ser (NM_001367993.1); c.925G>A, p.Gly309Ser (NM_001367994.1); c.2251G>A, p.Gly751Ser (NM_001374465.1); c.2401G>A, p.Gly801Ser (NM_001410977.1); c.2263G>A, p.Gly755Ser (NM_001414029.1); c.2194G>A, p.Gly732Ser (NM_001414030.1); and 6 more; short protein forms G644S, G696S, G717S, G728S, G751S, G801S, G309S, G732S.
Identifiers: ClinVar variation 2042548 (VCV002042548.6), dbSNP rs142143029, ClinGen allele CA6615689.

ClinVar aggregate classification (germline): Uncertain significance. Review status: criteria provided, multiple submitters, no conflicts (2 of 4 stars). 3 submissions from 3 submitters: Uncertain significance (3). Last evaluated 2025-08-26.

Conditions:
Congenital muscular dystrophy due to integrin alpha-7 deficiency. Also called: MYOPATHY, CONGENITAL, DUE TO INTEGRIN ALPHA-7 DEFICIENCY; Congenital muscular dystrophy with integrin alpha-7 deficiency; Muscular dystrophy, congenital, due to ITGA7 deficiency. Identifiers: Orphanet 34520, MedGen C2750786, MONDO:0013177, OMIM 613204.

Allele frequency attached by ClinVar (database versions not stated): gnomAD 0.00008; 1000 Genomes Project 0.00040; 1000 Genomes Project 30x 0.00047.
gnomAD v4.1: 21 of 1,614,098 alleles (0.0013%); highest among the groups gnomAD compares: African/African-American, 0.027%; no homozygotes.

Submissions (3):

Ambry Genetics
Classification: Uncertain significance. Last evaluated: 2025-08-26. Review status: criteria provided, single submitter. Criteria: Ambry Variant Classification Scheme 2023. Collection method: clinical testing. Allele origin: germline.

Labcorp Genetics (formerly Invitae), Labcorp
Classification: Uncertain significance for Congenital muscular dystrophy due to integrin alpha-7 deficiency. Last evaluated: 2024-08-06. Review status: criteria provided, single submitter. Criteria: Invitae Variant Classification Sherloc (09022015). Collection method: clinical testing. Allele origin: germline.
Comment: This sequence change replaces glycine, which is neutral and non-polar, with serine, which is neutral and polar, at codon 757 of the ITGA7 protein (p.Gly757Ser). This variant is present in population databases (rs142143029, gnomAD 0.03%). This variant has not been reported in the literature in individuals affected with ITGA7-related conditions. ClinVar contains an entry for this variant (Variation ID: 2042548). Advanced modeling of protein sequence and biophysical properties (such as structural, functional, and spatial information, amino acid conservation, physicochemical variation, residue mobility, and thermodynamic stability) performed at Invitae indicates that this missense variant is not expected to disrupt ITGA7 protein function with a negative predictive value of 80%. In summary, the available evidence is currently insufficient to determine the role of this variant in disease. Therefore, it has been classified as a Variant of Uncertain Significance.

Revvity Omics, Revvity
Classification: Uncertain significance for Congenital muscular dystrophy due to integrin alpha-7 deficiency. Last evaluated: 2022-06-30. Review status: criteria provided, single submitter. Criteria: ACMG Guidelines, 2015. Collection method: clinical testing. Allele origin: germline.